The following is an entry in ClinVar:

NM_001267550.2(TTN):c.22952A>G (p.Glu7651Gly)

Gene: TTN (titin; minus strand). Cytogenetic location: 2q31.2.
Variant type: single nucleotide variant.
Coding change: c.22952A>G on transcript NM_001267550.2 (MANE Select); coding-DNA position 22952, A replaced by G.
Protein change: p.Glu7651Gly; replaces glutamic acid 7651 with glycine.
Molecular consequence: missense variant. On other transcripts: intron variant (3).
Genome position (GRCh38, 1-based): chr2:178,721,067, T>C on the plus strand (A>G on the coding strand, the complement: TTN is on the minus strand). VCF-style: chr2-178721067-T-C. GRCh37 (hg19) VCF-style: chr2-179585794-T-C.
Other names: c.22001A>G, p.Glu7334Gly (NM_001256850.1); c.19220A>G, p.Glu6407Gly (NM_133378.4); c.13282+17015A>G (NM_003319.4); c.13858+17015A>G (NM_133437.4); c.13657+17015A>G (NM_133432.3); c.22952A>G (NM_001267550.1); short protein forms E7651G, E6407G, E7334G.
Identifiers: ClinVar variation 466915 (VCV000466915.6), dbSNP rs1461872954, ClinGen allele CA349517813.

ClinVar aggregate classification (germline): Uncertain significance. Review status: criteria provided, multiple submitters, no conflicts (2 of 4 stars). 3 submissions from 3 submitters: Uncertain significance (3). Last evaluated 2026-10-20.

Conditions:
Dilated cardiomyopathy 1G (CMD1G). Identifiers: Orphanet 154, MedGen C1858763, MONDO:0011400, OMIM 604145.
Autosomal recessive limb-girdle muscular dystrophy type 2J (LGMDR10). Also called: Limb-girdle muscular dystrophy, type 2J; MUSCULAR DYSTROPHY, LIMB-GIRDLE, AUTOSOMAL RECESSIVE 10. Identifiers: Orphanet 140922, MedGen C1837342, MONDO:0012127, OMIM 608807.

Allele frequency attached by ClinVar (database versions not stated): gnomAD exomes below 0.00001; TOPMed 0.00002; gnomAD 0.00004 and 0.00003.
gnomAD v4.1: 9 of 1,613,182 alleles (0.00056%); highest among the groups gnomAD compares: African/African-American, 0.011%; no homozygotes.

Submissions (3):

GeneDx
Classification: Uncertain significance. Last evaluated: 2026-10-20. Review status: criteria provided, single submitter. Criteria: GeneDx Variant Classification Process June 2021. Collection method: clinical testing. Allele origin: germline.
Comment: Not observed at significant frequency in large population cohorts (gnomAD); Missense variant in a gene in which most reported pathogenic variants are truncating/loss of function; Has not been previously published as pathogenic or benign to our knowledge

Revvity Omics, Revvity
Classification: Uncertain significance. Last evaluated: 2024-03-04. Review status: criteria provided, single submitter. Criteria: ACMG Guidelines, 2015. Collection method: clinical testing. Allele origin: germline.

Labcorp Genetics (formerly Invitae), Labcorp
Classification: Uncertain significance for Dilated cardiomyopathy 1G; Autosomal recessive limb-girdle muscular dystrophy type 2J. Last evaluated: 2017-03-07. Review status: criteria provided, single submitter. Criteria: Invitae Variant Classification Sherloc (09022015). Collection method: clinical testing. Allele origin: germline.